The following is an entry in ClinVar:

ClinVar aggregate classification (germline): Uncertain significance. Review status: reviewed by expert panel (3 of 4 stars). 3 submissions from 3 submitters: Uncertain significance (1). 2 of the submissions do not count toward it. Last evaluated 2025-05-19.

Conditions:
Hereditary cancer-predisposing syndrome. Also called: Hereditary Cancer Syndrome; Tumor predisposition; Hereditary neoplastic syndrome; Neoplastic Syndromes, Hereditary. Identifiers: Orphanet 140162, MedGen C0027672, MeSH D009386, MONDO:0015356.
Familial adenomatous polyposis 1 (FAP1). Also called: FAMILIAL ADENOMATOUS POLYPOSIS 1, ATTENUATED; POLYPOSIS, ADENOMATOUS INTESTINAL. Identifiers: MedGen C2713442, MONDO:0021056, OMIM 175100. Disease mechanism: loss of function.

Submissions (3):

ClinGen InSiGHT Hereditary Colorectal Cancer/Polyposis Variant Curation Expert Panel
Classification: Uncertain significance for Familial adenomatous polyposis 1. Last evaluated: 2025-05-19. Review status: reviewed by expert panel. Criteria: ClinGen InSiGHT HCCP VCEP ACMG Specifications APC V1. Collection method: curation. Allele origin: germline. Inheritance: Autosomal dominant inheritance.
Comment: The NM_000038.6(APC):c.422G>C (p.Arg141Thr) variant in APC is a G to non-G change at the last nucleotide of exon 4. It is predicted to cause skipping of exon 4, resulting in a frameshift in a gene in which loss-of-function is an established disease mechanism (PVS1_Strong). This variant is absent from gnomAD v2.1.1 (PM2_Supporting). This variant has been reported in 1 proband meeting phenotypic criteria, resulting in a phenotype score of 0.5 points (Invitae, internal data) (PS4 not applicable). Moreover, the variant has been observed in heterozygous state in two individuals without a colorectal cancer/polyposis associated phenotype, worth 1 healthy individual point in total (BS2_Supporting not met; [Ambry Genetics, internal data]). In summary, this variant is a variant of uncertain significance (VUS) for autosomal-dominant inherited FAP based on the ACMG/AMP criteria applied, as specified by the ClinGen InSiGHT Hereditary Colorectal Cancer/Polyposis VCEP: criteria PVS1_Strong and PM2_Supporting applied (VCEP specifications v2.0.3; date of approval 7/24/2023).

Labcorp Genetics (formerly Invitae), Labcorp
Classification: Uncertain significance for Familial adenomatous polyposis 1. Last evaluated: 2025-06-09. Review status: criteria provided, single submitter. Criteria: Invitae Variant Classification Sherloc (09022015). Collection method: clinical testing. Allele origin: germline. Not counted in ClinVar's aggregate classification.
Comment: This sequence change replaces arginine, which is basic and polar, with threonine, which is neutral and polar, at codon 141 of the APC protein (p.Arg141Thr). This variant also falls at the last nucleotide of exon 4, which is part of the consensus splice site for this exon. This variant is not present in population databases (gnomAD no frequency). This variant has not been reported in the literature in individuals affected with APC-related conditions. ClinVar contains an entry for this variant (Variation ID: 1056286). An algorithm developed to predict the effect of missense changes on protein structure and function (PolyPhen-2) suggests that this variant is likely to be disruptive. Variants that disrupt the consensus splice site are a relatively common cause of aberrant splicing (PMID: 17576681, 9536098). Algorithms developed to predict the effect of sequence changes on RNA splicing suggest that this variant may disrupt the consensus splice site. In summary, the available evidence is currently insufficient to determine the role of this variant in disease. Therefore, it has been classified as a Variant of Uncertain Significance.

Ambry Genetics
Classification: Uncertain significance for Hereditary cancer-predisposing syndrome. Last evaluated: 2023-10-16. Review status: criteria provided, single submitter. Criteria: Ambry Variant Classification Scheme 2023. Collection method: clinical testing. Allele origin: germline. Not counted in ClinVar's aggregate classification.
Comment: The p.R141T variant (also known as c.422G>C), located in coding exon 3 of the APC gene, results from a G to C substitution at nucleotide position 422. The amino acid change results in arginine to threonine at codon 141, an amino acid with similar properties. However, this change occurs in the last base pair of coding exon 3, which makes it likely to have some effect on normal mRNA splicing. This nucleotide position is highly conserved in available vertebrate species. In silico splice site analysis predicts that this alteration will weaken the native splice donor site; however, direct evidence is insufficient at this time (Ambry internal data). This amino acid position is highly conserved in available vertebrate species. In addition, in silico predictors for this gene do not accurately predict pathogenicity. Since supporting evidence is limited at this time, the clinical significance of this alteration remains unclear.

Literature cited by the submitters: PubMed 17576681 (cited by Labcorp Genetics (formerly Invitae), Labcorp); PubMed 9536098 (cited by Labcorp Genetics (formerly Invitae), Labcorp).

NM_000038.6(APC):c.422G>C (p.Arg141Thr)

Gene: APC (APC regulator of Wnt signaling pathway; plus strand). Cytogenetic location: 5q22.2.
Variant type: single nucleotide variant.
Coding change: c.422G>C on transcript NM_000038.6 (MANE Select); coding-DNA position 422, G replaced by C.
Protein change: p.Arg141Thr; replaces arginine 141 with threonine.
Molecular consequence: missense variant. On other transcripts: 5 prime UTR variant (1).
Genome position (GRCh38, 1-based): chr5:112,767,390, G>C. VCF-style: chr5-112767390-G-C. GRCh37 (hg19) VCF-style: chr5-112103087-G-C.
Other names: NM_000038.6(APC):c.422G>C; p.Arg141Thr; c.422G>C (NM_000038.5); c.422G>C, p.Arg141Thr (NM_001127510.3, NM_001354895.2, NM_001354896.2 and 2 more transcripts); c.452G>C, p.Arg151Thr (NM_001127511.3, NM_001354897.2, NM_001354902.2); c.347G>C, p.Arg116Thr (NM_001354898.2, NM_001354904.2); c.245G>C, p.Arg82Thr (NM_001354900.2, NM_001354901.2, NM_001354905.2); c.-614G>C (NM_001354906.2); short protein forms R116T, R141T, R151T, R82T.
Identifiers: ClinVar variation 1056286 (VCV001056286.11), dbSNP rs1359881085, ClinGen allele CA16022246.